The following is an entry in ClinVar:

NM_206937.2(LIG4):c.2190del (p.Phe730fs)

Gene: LIG4 (DNA ligase 4; minus strand). Cytogenetic location: 13q33.3.
Variant type: Deletion.
Coding change: c.2190del on transcript NM_206937.2 (MANE Select); coding-DNA position 2190, one base deleted (T; older notation c.2190delT).
Protein change: p.Phe730fs; shifts the reading frame from phenylalanine 730.
Molecular consequence: frameshift variant.
Genome position (GRCh38, 1-based): chr13:108,209,079, A deleted on the plus strand (T on the coding strand, the reverse complement: LIG4 is on the minus strand); the first of 4 consecutive A bases (chr13:108,209,079-108,209,082); deleting any one gives the same sequence. VCF-style (leftmost placement, unchanged base first): chr13-108209078-TA-T. GRCh37 (hg19) VCF-style: chr13-108861426-TA-T.
Other names: c.2190del, p.Phe730fs (NM_001098268.2, NM_001352598.2, NM_001352599.2 and 6 more transcripts); c.1989del, p.Phe663fs (NM_001330595.2); c.2226del, p.Phe742fs (NM_001352604.2); short protein forms F663fs, F730fs, F742fs.
Identifiers: ClinVar variation 2703249 (VCV002703249.3), dbSNP rs2501583917, ClinGen allele CA2575452312.
Genomic context (GRCh38, chr13:108,209,078, plus strand): 5'-TGGTTGATGGGCACATATGAATCATAAAGCGAGGCTGCCATGGTACAAAGCTTTTGGTCT[TA>T]AAACATTCTAAAAGCCATGCAGGCTTGACAACATCATGTTTATTTGACAAAATTATGTTT-3'

ClinVar aggregate classification (germline): Pathogenic (1 of 4 stars; one submission).

Conditions:
DNA ligase IV deficiency. Identifiers: Orphanet 99812, MedGen C1847827, MONDO:0011686, OMIM 606593.

Submission:

Labcorp Genetics (formerly Invitae), Labcorp
Classification: Pathogenic for DNA ligase IV deficiency. Last evaluated: 2023-12-14. Review status: criteria provided, single submitter. Criteria: Invitae Variant Classification Sherloc (09022015). Collection method: clinical testing. Allele origin: germline.
Comment: This sequence change creates a premature translational stop signal (p.Phe730Leufs*14) in the LIG4 gene. While this is not anticipated to result in nonsense mediated decay, it is expected to disrupt the last 182 amino acid(s) of the LIG4 protein. This variant is not present in population databases (gnomAD no frequency). This variant has not been reported in the literature in individuals affected with LIG4-related conditions. This variant disrupts a region of the LIG4 protein in which other variant(s) (p.Gln904*) have been determined to be pathogenic (PMID: 34630384). This suggests that this is a clinically significant region of the protein, and that variants that disrupt it are likely to be disease-causing. For these reasons, this variant has been classified as Pathogenic.

Literature cited by the submitters: PubMed 34630384.